The following is an entry in ClinVar:

NM_020166.5(MCCC1):c.1155A>C (p.Arg385Ser)

Gene: MCCC1 (methylcrotonyl-CoA carboxylase subunit 1; minus strand). Cytogenetic location: 3q27.1.
Variant type: single nucleotide variant.
Coding change: c.1155A>C on transcript NM_020166.5 (MANE Select); coding-DNA position 1155, A replaced by C.
Protein change: p.Arg385Ser; replaces arginine 385 with serine.
Molecular consequence: missense variant. On other transcripts: non-coding transcript variant (2).
Genome position (GRCh38, 1-based): chr3:183,041,679, T>G on the plus strand (A>C on the coding strand, the complement: MCCC1 is on the minus strand). VCF-style: chr3-183041679-T-G. GRCh37 (hg19) VCF-style: chr3-182759467-T-G.
Other names: c.804A>C, p.Arg268Ser (NM_001293273.2); c.828A>C, p.Arg276Ser (NM_001363880.1); short protein forms R385S, R276S, R268S.
Identifiers: ClinVar variation 1930 (VCV000001930.59), dbSNP rs119103213, ClinGen allele CA234237.
Genomic context (GRCh38, chr3:183,041,679, plus strand): 5'-GAGGTGCACTAATGGGCCTGCCACAGGCATGAAGTTATTGCTAGGATCTTCTGCATATAT[T>G]CTAGCTTCGAAGGCATGGCCCTGCAGAGTTATTTCTTCCTGGCTCAAAGGAATCTTCTCT-3'
Protein context (NP_064551.3, residues 375-395): ITLQGHAFEA[Arg385Ser]IYAEDPSNNF

ClinVar aggregate classification (germline): Pathogenic/Likely pathogenic. Review status: criteria provided, multiple submitters, no conflicts (2 of 4 stars). 17 submissions from 17 submitters: Pathogenic (15); Likely pathogenic (1). 1 of the submissions does not count toward it. Last evaluated 2026-07-31.

Conditions:
MCCC1-related disorder. Also called: MCCC1-related condition.
Inborn genetic diseases. Identifiers: MedGen C0950123, MeSH D030342.
Methylcrotonyl-CoA carboxylase deficiency. Also called: Deficiency of methylcrotonoyl-CoA carboxylase; 3 Methylcrotonylglycinuria; 3-MCC Deficiency. Identifiers: Orphanet 6, MedGen C4551505, MONDO:0018950.
3-methylcrotonyl-CoA carboxylase 1 deficiency (MCC1D). Also called: MCCD TYPE 1; METHYLCROTONYLGLYCINURIA TYPE I; MCC 1 deficiency; 3 Alpha methylcrotonylglycinuria 1. Identifiers: Orphanet 6, MedGen CN028786, MONDO:0008861, OMIM 210200.

Allele frequency attached by ClinVar (database versions not stated): TOPMed 0.00006; gnomAD 0.00007 and 0.00008; gnomAD exomes 0.00012 and 0.00013; ExAC 0.00016.
gnomAD v4.1: 179 of 1,614,088 alleles (0.011%); highest among the groups gnomAD compares: Non-Finnish European, 0.014%; no homozygotes.

Submissions 1 to 13 of 17:

Institute of Human Genetics, Heidelberg University
Classification: Pathogenic for 3-methylcrotonyl-CoA carboxylase 1 deficiency. Last evaluated: 2026-07-31. Review status: criteria provided, single submitter. Criteria: ACMG Guidelines, 2015. Collection method: clinical testing. Allele origin: maternal. Affected: yes. Observed: 2 variant alleles.
Comment: PP4_STR, PM1, PP3_MOD, PS3_SUP, PM2_SUP, PP1

Labcorp Genetics (formerly Invitae), Labcorp
Classification: Pathogenic for 3-methylcrotonyl-CoA carboxylase 1 deficiency. Last evaluated: 2026-01-24. Review status: criteria provided, single submitter. Criteria: Invitae Variant Classification Sherloc (09022015). Collection method: clinical testing. Allele origin: germline.
Comment: This sequence change replaces arginine, which is basic and polar, with serine, which is neutral and polar, at codon 385 of the MCCC1 protein (p.Arg385Ser). This variant is present in population databases (rs119103213, gnomAD 0.03%). This missense change has been observed in individuals with 3 Methylcrotonyl-CoA carboxylase deficiency (PMID: 11170888, 16835865, 22642865, 25356967). ClinVar contains an entry for this variant (Variation ID: 1930). Invitae Evidence Modeling of protein sequence and biophysical properties (such as structural, functional, and spatial information, amino acid conservation, physicochemical variation, residue mobility, and thermodynamic stability) indicates that this missense variant is expected to disrupt MCCC1 protein function with a positive predictive value of 95%. Experimental studies have shown that this missense change affects MCCC1 function (PMID: 14680978, 15359379, 15868465). For these reasons, this variant has been classified as Pathogenic.

Natera, Inc.
Classification: Pathogenic for 3-methylcrotonyl-CoA carboxylase 1 deficiency. Last evaluated: 2025-10-06. Review status: criteria provided, single submitter. Criteria: Natera Variant Classification Schema (03/2026). Collection method: clinical testing. Allele origin: germline.
Comment: The c.1155A>C variant in MCCC1 is a missense variant predicted to cause substitution of arginine to serine at amino acid 385. This variant is rare in the general population with a frequency below the threshold expected for the associated phenotype(s). This variant has been observed in one or more individuals affected with the associated recessive disease, as either homozygous or compound heterozygous with a second variant (PMID: 22642865). Computational prediction algorithms indicate this variant is likely to affect gene or protein function. Given the available evidence, this variant is classified as Pathogenic.

PreventionGenetics, part of Exact Sciences
Classification: Pathogenic for MCCC1-related condition. Last evaluated: 2025-08-27. Review status: criteria provided, single submitter. Criteria: ACMG Guidelines, 2015. Collection method: clinical testing. Allele origin: germline.
Comment: The MCCC1 c.1155A>C variant is predicted to result in the amino acid substitution p.Arg385Ser. This variant has been reported with a second MCCC1 variant in patients with 3-methylcrotonyl-CoA carboxylase deficiency (see for example Gallardo et al. 2001. PubMed ID: 11170888; Dantas et al. 2005. PubMed ID: 16010683). In addition, this particular variant has been reported to exert a dominant negative effect on the MCC enzyme complex, which may lead to biochemical abnormalities in heterozygous individuals that do not have a second pathogenic MCCC1 sequence variant. Some individuals heterozygous for this allele have exhibited clinical symptoms, while others have remained asymptomatic. Patients heterozygous for the p.Arg385Ser allele have been reported to be responsive to biotin therapy (Baumgartner et al. 2004. PubMed ID: 15359379; Dantas et al. 2005. PubMed ID: 16010683; Morscher et al. 2012. PubMed ID: 22264772; Fonseca et al. 2016. PubMed ID: 27601257). In summary, we classify this variant as pathogenic.

Women's Health and Genetics/Laboratory Corporation of America, LabCorp
Classification: Pathogenic for Methylcrotonyl-CoA carboxylase deficiency. Last evaluated: 2025-07-18. Review status: criteria provided, single submitter. Criteria: LabCorp Variant Classification Summary - May 2015. Collection method: clinical testing. Allele origin: germline.
Comment: Variant summary: MCCC1 c.1155A>C (p.Arg385Ser) results in a non-conservative amino acid change in the encoded protein sequence. Algorithms developed to predict the effect of missense changes on protein structure and function all suggest that this variant is likely to be disruptive. The variant allele was found at a frequency of 0.00013 in 251452 control chromosomes. This frequency is not significantly higher than estimated for a pathogenic variant in MCCC1 causing Methylcrotonyl-CoA Carboxylase Deficiency (0.00013 vs 0.0042), allowing no conclusion about variant significance. c.1155A>C has been observed in multiple individuals affected with Methylcrotonyl-CoA Carboxylase Deficiency (example: Grunert_2012). These data indicate that the variant is very likely to be associated with disease.The following publication has been ascertained in the context of this evaluation (PMID: 22642865). ClinVar contains an entry for this variant (Variation ID: 1930). Based on the evidence outlined above, the variant was classified as pathogenic.

Dasa
Classification: Pathogenic. Last evaluated: 2025-04-30. Review status: criteria provided, single submitter. Criteria: DASA Assertion Criteria. Collection method: clinical testing. Allele origin: germline.
Comment: NM_020166.5(MCCC1):c.1155A>C (p.Arg385Ser) is a missense variant that results in the substitution of arginine with serine. Segregation evidence has been reported in affected families. This variant has been observed in affected individuals with related phenotype in a genotype context consistent with recessive disease (PMID: 11170888; PMID: 16835865; PMID: 22642865; PMID: 25356967; PMID: 14680978). Functional evidence supports a deleterious effect on the gene or gene product (PMID: 11170888; PMID: 16835865; PMID: 22642865; PMID: 25356967; PMID: 14680978). This variant has been recurrently observed in individuals with related phenotype (PMID: 11170888; PMID: 16835865; PMID: 22642865; PMID: 25356967; PMID: 14680978). Multiple computational predictions support a deleterious effect on the gene or gene product. The variant is present at low frequency in population datasets. Based on the available data, this variant is classified as pathogenic.

Revvity Omics, Revvity
Classification: Pathogenic for 3-methylcrotonyl-CoA carboxylase 1 deficiency. Last evaluated: 2025-03-21. Review status: criteria provided, single submitter. Criteria: ACMG Guidelines, 2015. Collection method: clinical testing. Allele origin: germline.

GeneDx
Classification: Pathogenic. Last evaluated: 2025-01-05. Review status: criteria provided, single submitter. Criteria: GeneDx Variant Classification Process June 2021. Collection method: clinical testing. Allele origin: germline. Affected: yes.
Comment: Published functional studies found this variant is associated with significantly reduced MCC activity (PMID: 15359379, 14960587); In silico analysis supports that this missense variant has a deleterious effect on protein structure/function; This variant is associated with the following publications: (PMID: 14960587, 31980526, 34426522, 31589614, 14680978, 27601257, 25356967, 22642865, 16010683, 11170888, 16773504, 15359379)

Blueprint Genetics
Classification: Pathogenic for MCCC1-related disorders. Last evaluated: 2024-11-19. Review status: criteria provided, single submitter. Criteria: ACMG Guidelines, 2015. Collection method: clinical testing. Allele origin: germline. Affected: yes. Observed: 5 variant alleles.

CeGaT Center for Human Genetics Tuebingen
Classification: Pathogenic. Last evaluated: 2024-05-01. Review status: criteria provided, single submitter. Criteria: CeGaT Center For Human Genetics Tuebingen Variant Classification Criteria Version 2. Collection method: clinical testing. Allele origin: germline. Affected: yes. Observed: 3 variant alleles.
Comment: MCCC1: PM3:Strong, PM1, PM2, PM5:Supporting, PS3:Supporting

Baylor Genetics
Classification: Likely pathogenic for 3-methylcrotonyl-CoA carboxylase 1 deficiency. Last evaluated: 2024-03-24. Review status: criteria provided, single submitter. Criteria: ACMG Guidelines, 2015. Collection method: clinical testing. Allele origin: unknown.

Fulgent Genetics
Classification: Pathogenic for 3-methylcrotonyl-CoA carboxylase 1 deficiency. Last evaluated: 2024-03-06. Review status: criteria provided, single submitter. Criteria: ACMG Guidelines, 2015. Collection method: clinical testing. Allele origin: germline.

Clinical Genetics Laboratory, Skane University Hospital Lund
Classification: Pathogenic. Last evaluated: 2022-07-13. Review status: criteria provided, single submitter. Criteria: ACMG Guidelines, 2015. Collection method: clinical testing. Allele origin: germline. Affected: yes.